The following is an entry in ClinVar:

NM_001042492.3(NF1):c.7252_7255del (p.Thr2418fs)

Gene: NF1 (neurofibromin 1; plus strand). Cytogenetic location: 17q11.2.
Variant type: Deletion.
Coding change: c.7252_7255del on transcript NM_001042492.3 (MANE Select); coding-DNA positions 7252 to 7255, 4 bases deleted (ACTC; older notation c.7252_7255delACTC).
Protein change: p.Thr2418fs; shifts the reading frame from threonine 2418.
Molecular consequence: frameshift variant.
Genome position (GRCh38, 1-based): chr17:31,349,182-31,349,185, ACTC deleted. VCF-style (leftmost placement, unchanged base first): chr17-31349181-AACTC-A. GRCh37 (hg19) VCF-style: chr17-29676199-AACTC-A.
Other names: c.7189_7192delACTC, p.Thr2397Trpfs (NM_000267.4); short protein forms T2418fs, T2397fs.
Identifiers: ClinVar variation 1454626 (VCV001454626.6), dbSNP rs2151572676, ClinGen allele CA2573153821.
Genomic context (GRCh38, chr17:31,349,181, plus strand): 5'-GTACAGGCATCCTTCACCTGCTATTGTTGCAAGAACAGTCAGAATTTTACATACACTACT[AACTC>A]TGGTTAACAAACACAGAAATTGTGACAAATTTGAAGTGAATACACAGAGCGTGGCCTACT-3'

ClinVar aggregate classification (germline): Pathogenic (1 of 4 stars; one submission).

Conditions:
Neurofibromatosis, type 1 (NF1). Also called: Neurofibromatosis, type I; VON RECKLINGHAUSEN DISEASE; NEUROFIBROMATOSIS, TYPE I, SOMATIC; Peripheral type neurofibromatosis. Identifiers: Orphanet 636, MedGen C0027831, MONDO:0018975, OMIM 162200. Disease mechanism: loss of function.

Submission:

Labcorp Genetics (formerly Invitae), Labcorp
Classification: Pathogenic for Neurofibromatosis, type 1. Last evaluated: 2021-10-10. Review status: criteria provided, single submitter. Criteria: Invitae Variant Classification Sherloc (09022015). Collection method: clinical testing. Allele origin: germline.
Comment: For these reasons, this variant has been classified as Pathogenic. This variant has not been reported in the literature in individuals affected with NF1-related conditions. This variant is not present in population databases (ExAC no frequency). This sequence change creates a premature translational stop signal (p.Thr2397Trpfs*13) in the NF1 gene. It is expected to result in an absent or disrupted protein product. Loss-of-function variants in NF1 are known to be pathogenic (PMID: 10712197, 23913538).

Literature cited by the submitters: PubMed 10712197; PubMed 23913538.